The following is an entry in ClinVar:

NM_014754.3(PTDSS1):c.634G>A (p.Glu212Lys)

Gene: PTDSS1 (phosphatidylserine synthase 1; plus strand). Cytogenetic location: 8q22.1.
Variant type: single nucleotide variant.
Coding change: c.634G>A on transcript NM_014754.3 (MANE Select); coding-DNA position 634, G replaced by A.
Protein change: p.Glu212Lys; replaces glutamic acid 212 with lysine.
Molecular consequence: missense variant.
Genome position (GRCh38, 1-based): chr8:96,299,727, G>A. VCF-style: chr8-96299727-G-A. GRCh37 (hg19) VCF-style: chr8-97311955-G-A.
Other names: c.196G>A, p.Glu66Lys (NM_001290225.2); c.634G>A (NM_014754.1); short protein forms E212K, E66K.
Identifiers: ClinVar variation 2974092 (VCV002974092.4), dbSNP rs776404022, ClinGen allele CA4816632.

ClinVar aggregate classification (germline): Uncertain significance. Review status: criteria provided, multiple submitters, no conflicts (2 of 4 stars). 2 submissions from 2 submitters: Uncertain significance (2). Last evaluated 2025-04-01.

Conditions:
Inborn genetic diseases. Identifiers: MedGen C0950123, MeSH D030342.

Allele frequency attached by ClinVar (database versions not stated): gnomAD exomes below 0.00001; ExAC 0.00001; gnomAD 0.00001; TOPMed 0.00002.
gnomAD v4.1: 6 of 1,611,820 alleles (0.00037%); highest among the groups gnomAD compares: East Asian, 0.0022%; no homozygotes.

Submissions (2):

Ambry Genetics
Classification: Uncertain significance for Inborn genetic diseases. Last evaluated: 2025-04-01. Review status: criteria provided, single submitter. Criteria: Ambry Variant Classification Scheme 2023. Collection method: clinical testing. Allele origin: germline.

Labcorp Genetics (formerly Invitae), Labcorp
Classification: Uncertain significance. Last evaluated: 2023-03-02. Review status: criteria provided, single submitter. Criteria: Invitae Variant Classification Sherloc (09022015). Collection method: clinical testing. Allele origin: germline.
Comment: This sequence change replaces glutamic acid, which is acidic and polar, with lysine, which is basic and polar, at codon 212 of the PTDSS1 protein (p.Glu212Lys). The frequency data for this variant in the population databases is considered unreliable, as metrics indicate poor data quality at this position in the gnomAD database. This variant has not been reported in the literature in individuals affected with PTDSS1-related conditions. Advanced modeling of protein sequence and biophysical properties (such as structural, functional, and spatial information, amino acid conservation, physicochemical variation, residue mobility, and thermodynamic stability) performed at Invitae indicates that this missense variant is expected to disrupt PTDSS1 protein function. In summary, the available evidence is currently insufficient to determine the role of this variant in disease. Therefore, it has been classified as a Variant of Uncertain Significance.